The following is an entry in ClinVar:

ClinVar aggregate classification (germline): Uncertain significance. Review status: criteria provided, multiple submitters, no conflicts (2 of 4 stars). 2 submissions from 2 submitters: Uncertain significance (2). Last evaluated 2024-06-11.

Conditions:
Joubert syndrome 17 (JBTS17). Identifiers: Orphanet 475, MedGen C3553264, MONDO:0013824, OMIM 614615.
Orofaciodigital syndrome type 6 (OFD6). Also called: OROFACIODIGITAL SYNDROME VI; OFDS VI; POLYDACTYLY, CLEFT LIP/PALATE OR LINGUAL LUMP, AND PSYCHOMOTOR RETARDATION; VARADI SYNDROME; VARADI-PAPP SYNDROME; Oral-facial-digital syndrome type 6. Identifiers: Orphanet 2754, MedGen C2745997, MONDO:0010176, OMIM 277170.

Allele frequency attached by ClinVar (database versions not stated): ExAC 0.00002; gnomAD exomes 0.00002 and 0.00005; gnomAD 0.00005 and 0.00006; TOPMed 0.00005; ESP Exome Variant Server 0.00023.
gnomAD v4.1: 83 of 1,612,404 alleles (0.0051%); highest among the groups gnomAD compares: Non-Finnish European, 0.0065%; no homozygotes.

Submissions (2):

Fulgent Genetics
Classification: Uncertain significance for Orofaciodigital syndrome type 6; Joubert syndrome 17. Last evaluated: 2024-06-11. Review status: criteria provided, single submitter. Criteria: ACMG Guidelines, 2015. Collection method: clinical testing. Allele origin: germline.

Labcorp Genetics (formerly Invitae), Labcorp
Classification: Uncertain significance. Last evaluated: 2022-07-23. Review status: criteria provided, single submitter. Criteria: Invitae Variant Classification Sherloc (09022015). Collection method: clinical testing. Allele origin: germline.
Comment: This sequence change replaces proline, which is neutral and non-polar, with alanine, which is neutral and non-polar, at codon 3084 of the CPLANE1 protein (p.Pro3084Ala). This variant is present in population databases (rs144467995, gnomAD 0.004%). This variant has not been reported in the literature in individuals affected with CPLANE1-related conditions. ClinVar contains an entry for this variant (Variation ID: 1409616). Advanced modeling of protein sequence and biophysical properties (such as structural, functional, and spatial information, amino acid conservation, physicochemical variation, residue mobility, and thermodynamic stability) performed at Invitae indicates that this missense variant is not expected to disrupt CPLANE1 protein function. In summary, the available evidence is currently insufficient to determine the role of this variant in disease. Therefore, it has been classified as a Variant of Uncertain Significance.

NM_001384732.1(CPLANE1):c.9412C>G (p.Pro3138Ala)

Gene: CPLANE1 (ciliogenesis and planar polarity effector complex subunit 1; minus strand). Cytogenetic location: 5p13.2.
Variant type: single nucleotide variant.
Coding change: c.9412C>G on transcript NM_001384732.1 (MANE Select); coding-DNA position 9412, C replaced by G.
Protein change: p.Pro3138Ala; replaces proline 3138 with alanine.
Molecular consequence: missense variant.
Genome position (GRCh38, 1-based): chr5:37,108,460, G>C on the plus strand (C>G on the coding strand, the complement: CPLANE1 is on the minus strand). VCF-style: chr5-37108460-G-C. GRCh37 (hg19) VCF-style: chr5-37108562-G-C.
Other names: c.9250C>G (NM_023073.3); c.9250C>G, p.Pro3084Ala (NM_023073.4); short protein forms P3084A, P3138A.
Identifiers: ClinVar variation 1409616 (VCV001409616.4), dbSNP rs144467995, ClinGen allele CA3237452.